The following is an entry in ClinVar:

ClinVar aggregate classification (germline): Uncertain significance (1 of 4 stars; one submission).

Conditions:
Dilated cardiomyopathy 1O (CMD1O). Also called: CARDIOMYOPATHY, DILATED, WITH VENTRICULAR TACHYCARDIA. Identifiers: Orphanet 154, MedGen C1837839, MONDO:0012062, OMIM 608569.

Submission:

Labcorp Genetics (formerly Invitae), Labcorp
Classification: Uncertain significance for Dilated cardiomyopathy 1O. Last evaluated: 2025-10-01. Review status: criteria provided, single submitter. Criteria: Invitae Variant Classification Sherloc (09022015). Collection method: clinical testing. Allele origin: germline.
Comment: This sequence change replaces histidine, which is basic and polar, with tyrosine, which is neutral and polar, at codon 512 of the ABCC9 protein (p.His512Tyr). This variant is not present in population databases (gnomAD no frequency). This variant has not been reported in the literature in individuals affected with ABCC9-related conditions. Invitae Evidence Modeling of protein sequence and biophysical properties (such as structural, functional, and spatial information, amino acid conservation, physicochemical variation, residue mobility, and thermodynamic stability) has been performed for this missense variant. However, the output from this modeling did not meet the statistical confidence thresholds required to predict the impact of this variant on ABCC9 protein function. In summary, the available evidence is currently insufficient to determine the role of this variant in disease. Therefore, it has been classified as a Variant of Uncertain Significance.

NM_020297.4(ABCC9):c.1534C>T (p.His512Tyr)

Gene: ABCC9 (ATP binding cassette subfamily C member 9; minus strand). Cytogenetic location: 12p12.1.
Variant type: single nucleotide variant.
Coding change: c.1534C>T on transcript NM_020297.4 (MANE Select); coding-DNA position 1534, C replaced by T.
Protein change: p.His512Tyr; replaces histidine 512 with tyrosine.
Molecular consequence: missense variant.
Genome position (GRCh38, 1-based): chr12:21,906,210, G>A on the plus strand (C>T on the coding strand, the complement: ABCC9 is on the minus strand). VCF-style: chr12-21906210-G-A. GRCh37 (hg19) VCF-style: chr12-22059144-G-A.
Other names: c.1534C>T, p.His512Tyr (NM_001377273.1, NM_005691.4); c.670C>T, p.His224Tyr (NM_001377274.1); short protein forms H224Y, H512Y.
Identifiers: ClinVar variation 4741591 (VCV004741591.1).
Genomic context (GRCh38, chr12:21,906,210, plus strand): 5'-AGGTTTTGAGACTAGATAGTTCTTTCATTCTTGTTTCCTCCACACTTTTGCAGAAAATGT[G>A]TTCCCAGGCATACAATTTTAGAAGTTTGATGCCTTTCAATATTTCATTTGTTTTCTTGAG-3'
Protein context (NP_064693.2, residues 502-522): IKLLKLYAWE[His512Tyr]IFCKSVEETR